The following is an entry in ClinVar:

ClinVar aggregate classification (germline): Uncertain significance. Review status: criteria provided, multiple submitters, no conflicts (2 of 4 stars). 3 submissions from 3 submitters: Uncertain significance (3). Last evaluated 2025-08-23.

Conditions:
Inborn genetic diseases. Identifiers: MedGen C0950123, MeSH D030342.

Allele frequency attached by ClinVar (database versions not stated): gnomAD 0.00003; TOPMed 0.00003; gnomAD exomes 0.00004; ExAC 0.00005.

Submissions (3):

Ambry Genetics
Classification: Uncertain significance for Inborn genetic diseases. Last evaluated: 2025-08-23. Review status: criteria provided, single submitter. Criteria: Ambry Variant Classification Scheme 2023. Collection method: clinical testing. Allele origin: germline.

GeneDx
Classification: Uncertain significance. Last evaluated: 2023-10-17. Review status: criteria provided, single submitter. Criteria: GeneDx Variant Classification Process June 2021. Collection method: clinical testing. Allele origin: germline. Affected: yes.
Comment: In silico analysis supports that this missense variant has a deleterious effect on protein structure/function; Has not been previously published as pathogenic or benign to our knowledge

Labcorp Genetics (formerly Invitae), Labcorp
Classification: Uncertain significance. Last evaluated: 2022-09-15. Review status: criteria provided, single submitter. Criteria: Invitae Variant Classification Sherloc (09022015). Collection method: clinical testing. Allele origin: germline.
Comment: This variant has not been reported in the literature in individuals affected with MYH14-related conditions. This variant is present in population databases (rs771245525, gnomAD 0.02%). This sequence change replaces arginine, which is basic and polar, with cysteine, which is neutral and slightly polar, at codon 1817 of the MYH14 protein (p.Arg1817Cys). Advanced modeling of protein sequence and biophysical properties (such as structural, functional, and spatial information, amino acid conservation, physicochemical variation, residue mobility, and thermodynamic stability) performed at Invitae indicates that this missense variant is expected to disrupt MYH14 protein function. In summary, the available evidence is currently insufficient to determine the role of this variant in disease. Therefore, it has been classified as a Variant of Uncertain Significance.

NM_001145809.2(MYH14):c.5572C>T (p.Arg1858Cys)

Gene: MYH14 (myosin heavy chain 14; plus strand). Cytogenetic location: 19q13.33.
Variant type: single nucleotide variant.
Coding change: c.5572C>T on transcript NM_001145809.2 (MANE Select); coding-DNA position 5572, C replaced by T.
Protein change: p.Arg1858Cys; replaces arginine 1858 with cysteine.
Molecular consequence: missense variant.
Genome position (GRCh38, 1-based): chr19:50,301,763, C>T. VCF-style: chr19-50301763-C-T. GRCh37 (hg19) VCF-style: chr19-50805020-C-T.
Other names: c.5473C>T, p.Arg1825Cys (NM_001077186.2); c.5449C>T, p.Arg1817Cys (NM_024729.4); c.5449C>T (NM_024729.3); short protein forms R1817C, R1858C, R1825C.
Identifiers: ClinVar variation 1904227 (VCV001904227.7), dbSNP rs771245525, ClinGen allele CA9593849.